The following is an entry in ClinVar:

ClinVar aggregate classification (germline): Uncertain significance (1 of 4 stars; one submission).

gnomAD v4.1: 2 of 1,610,790 alleles (0.00012%); highest among the groups gnomAD compares: Non-Finnish European, 0.000085%; no homozygotes.

Submission:

Labcorp Genetics (formerly Invitae), Labcorp
Classification: Uncertain significance. Last evaluated: 2024-10-29. Review status: criteria provided, single submitter. Criteria: Invitae Variant Classification Sherloc (09022015). Collection method: clinical testing. Allele origin: germline.
Comment: This sequence change replaces arginine, which is basic and polar, with serine, which is neutral and polar, at codon 535 of the HSPG2 protein (p.Arg535Ser). This variant is not present in population databases (gnomAD no frequency). This variant has not been reported in the literature in individuals affected with HSPG2-related conditions. An algorithm developed to predict the effect of missense changes on protein structure and function (PolyPhen-2) suggests that this variant is likely to be disruptive. In summary, the available evidence is currently insufficient to determine the role of this variant in disease. Therefore, it has been classified as a Variant of Uncertain Significance.

NM_005529.7(HSPG2):c.1603C>A (p.Arg535Ser)

Gene: HSPG2 (heparan sulfate proteoglycan 2; minus strand). Cytogenetic location: 1p36.12.
Variant type: single nucleotide variant.
Coding change: c.1603C>A on transcript NM_005529.7 (MANE Select); coding-DNA position 1603, C replaced by A.
Protein change: p.Arg535Ser; replaces arginine 535 with serine.
Molecular consequence: missense variant.
Genome position (GRCh38, 1-based): chr1:21,884,579, G>T on the plus strand (C>A on the coding strand, the complement: HSPG2 is on the minus strand). VCF-style: chr1-21884579-G-T. GRCh37 (hg19) VCF-style: chr1-22211072-G-T.
Other names: c.1606C>A, p.Arg536Ser (NM_001291860.2); short protein forms R535S, R536S.
Identifiers: ClinVar variation 3656984 (VCV003656984.1).